The following is an entry in ClinVar:

NM_004415.4(DSP):c.5707C>A (p.Gln1903Lys)

Gene: DSP (desmoplakin; plus strand). Cytogenetic location: 6p24.3.
Variant type: single nucleotide variant.
Coding change: c.5707C>A on transcript NM_004415.4 (MANE Select); coding-DNA position 5707, C replaced by A.
Protein change: p.Gln1903Lys; replaces glutamine 1903 with lysine.
Molecular consequence: missense variant.
Genome position (GRCh38, 1-based): chr6:7,582,969, C>A. VCF-style: chr6-7582969-C-A. GRCh37 (hg19) VCF-style: chr6-7583202-C-A.
Other names: p.Q1903K:CAA>AAA; c.3910C>A, p.Gln1304Lys (NM_001008844.3); c.4378C>A, p.Gln1460Lys (NM_001319034.2); c.5707C>A (LRG_423t1); short protein forms Q1903K, Q1460K, Q1304K.
Identifiers: ClinVar variation 199843 (VCV000199843.11), dbSNP rs794728103, ClinGen allele CA006573.

ClinVar aggregate classification (germline): Uncertain significance. Review status: criteria provided, multiple submitters, no conflicts (2 of 4 stars). 3 submissions from 3 submitters: Uncertain significance (3). Last evaluated 2025-08-26.

Conditions:
Cardiovascular phenotype. Identifiers: MedGen CN230736.
Arrhythmogenic cardiomyopathy with wooly hair and keratoderma. Also called: Carvajal syndrome; Dilated cardiomyopathy with woolly hair and keratoderma; Arrhythmogenic cardiomyopathy with woolly hair and keratoderma; PALMOPLANTAR KERATODERMA WITH LEFT VENTRICULAR CARDIOMYOPATHY AND WOOLLY HAIR. Identifiers: Orphanet 65282, MedGen C1854063, MONDO:0011581, OMIM 605676.
Arrhythmogenic right ventricular dysplasia 8 (ARVD8). Also called: Arrhythmogenic Right Ventricular Dysplasia/Cardiomyopathy 8; ARRHYTHMOGENIC RIGHT VENTRICULAR CARDIOMYOPATHY 8; ARRHYTHMOGENIC RIGHT VENTRICULAR DYSPLASIA, FAMILIAL, 8. Identifiers: MedGen C1843896, MONDO:0011831, OMIM 607450.

Allele frequency attached by ClinVar (database versions not stated): gnomAD exomes below 0.00001; TOPMed below 0.00001; gnomAD 0.00001.
gnomAD v4.1: 3 of 1,613,792 alleles (0.00019%); highest among the groups gnomAD compares: African/African-American, 0.0013%; no homozygotes.

Submissions (3):

Labcorp Genetics (formerly Invitae), Labcorp
Classification: Uncertain significance for Arrhythmogenic cardiomyopathy with wooly hair and keratoderma; Arrhythmogenic right ventricular dysplasia 8. Last evaluated: 2025-08-26. Review status: criteria provided, single submitter. Criteria: Invitae Variant Classification Sherloc (09022015). Collection method: clinical testing. Allele origin: germline.
Comment: This sequence change replaces glutamine, which is neutral and polar, with lysine, which is basic and polar, at codon 1903 of the DSP protein (p.Gln1903Lys). This variant is present in population databases (rs794728103, gnomAD 0.0009%). This variant has not been reported in the literature in individuals affected with DSP-related conditions. ClinVar contains an entry for this variant (Variation ID: 199843). An algorithm developed to predict the effect of missense changes on protein structure and function (PolyPhen-2) suggests that this variant is likely to be disruptive. In summary, the available evidence is currently insufficient to determine the role of this variant in disease. Therefore, it has been classified as a Variant of Uncertain Significance.

Ambry Genetics
Classification: Uncertain significance for Cardiovascular phenotype. Last evaluated: 2024-11-14. Review status: criteria provided, single submitter. Criteria: Ambry Variant Classification Scheme 2023. Collection method: clinical testing. Allele origin: germline.

GeneDx
Classification: Uncertain significance. Last evaluated: 2016-02-03. Review status: criteria provided, single submitter. Criteria: GeneDx Variant Classification (06012015). Collection method: clinical testing. Allele origin: germline. Affected: yes.
Comment: The Q1903K variant has not been published as a pathogenic variant, nor has it been reported as a benign variant to our knowledge. The Q1903K variant was not observed in approximately 6,500 individuals of European and African American ancestry in the NHLBI Exome Sequencing Project, indicating it is not a common benign variant in these populations. The Q1903K variant is a semi-conservative amino acid substitution, which may impact secondary protein structure as these residues differ in some properties. This substitution occurs at a position that is conserved in mammals. However, in silico analysis predicts this variant likely does not alter the protein structure/function.Therefore, based on the currently available information, it is unclear whether this variant is pathogenic or rare benign. This result cannot be interpreted for diagnosis or used for family member screening at this time.